The following is an entry in ClinVar:

NM_006031.6(PCNT):c.9379A>G (p.Thr3127Ala)

Gene: PCNT (pericentrin; plus strand). Cytogenetic location: 21q22.3.
Variant type: single nucleotide variant.
Coding change: c.9379A>G on transcript NM_006031.6 (MANE Select); coding-DNA position 9379, A replaced by G.
Protein change: p.Thr3127Ala; replaces threonine 3127 with alanine.
Molecular consequence: missense variant.
Genome position (GRCh38, 1-based): chr21:46,440,188, A>G. VCF-style: chr21-46440188-A-G. GRCh37 (hg19) VCF-style: chr21-47860101-A-G.
Other names: c.8788A>G, p.Thr2930Ala (NM_001315529.2); short protein forms T3127A, T2930A.
Identifiers: ClinVar variation 5002621 (VCV005002621.1).
Genomic context (GRCh38, chr21:46,440,188, plus strand): 5'-AGTTCCCTGAGGCGCCCAGACCCCGGCCGGCTTCCACCAGCTGCCAGCGAGGAAGCACAC[A>G]CCAGCAATGTCAAGGTAGGAACGGTGCCACGAGTATAGAACTTTGGTGCTTTTTTAAGTC-3'
Protein context (NP_006022.3, residues 3117-3137): LPPAASEEAH[Thr3127Ala]SNVKMEKLYL

ClinVar aggregate classification (germline): Uncertain significance (1 of 4 stars; one submission).

Conditions:
PCNT-related disorder. Also called: PCNT-related condition.

gnomAD v4.1: 2 of 1,614,038 alleles (0.00012%); highest among the groups gnomAD compares: African/African-American, 0.0027%; no homozygotes.

Submission:

PreventionGenetics, part of Exact Sciences
Classification: Uncertain significance for PCNT-related condition. Last evaluated: 2025-07-03. Review status: criteria provided, single submitter. Criteria: ACMG Guidelines, 2015. Collection method: clinical testing. Allele origin: germline.
Comment: The PCNT c.9379A>G variant is predicted to result in the amino acid substitution p.Thr3127Ala. To our knowledge, this variant has not been reported in the literature. This variant is reported in 0.012% of alleles in individuals of African descent in gnomAD. At this time, the clinical significance of this variant is uncertain due to the absence of conclusive functional and genetic evidence.